The following is an entry in ClinVar:

NM_000535.7(PMS2):c.354-5C>A

Gene: PMS2 (PMS1 homolog 2, mismatch repair system component; minus strand). Cytogenetic location: 7p22.1.
Variant type: single nucleotide variant.
Coding change: c.354-5C>A on transcript NM_000535.7 (MANE Select); 5 bases into the intron before coding-DNA position 354, C replaced by A.
Molecular consequence: intron variant. On other transcripts: missense variant (9).
Genome position (GRCh38, 1-based): chr7:6,002,641, G>T on the plus strand (C>A on the coding strand, the complement: PMS2 is on the minus strand). VCF-style: chr7-6002641-G-T. GRCh37 (hg19) VCF-style: chr7-6042272-G-T.
Other names: c.354-5C>A (NM_001406873.1, NM_001406912.1, NM_001322006.2 and 9 more transcripts); c.378-5C>A (NM_001406868.1); c.-52-5C>A (NM_001406891.1, NM_001406899.1, NM_001406893.1 and 24 more transcripts); c.540-5C>A (NM_001406866.1); c.40C>A, p.His14Asn (NM_001322015.2, NM_001406875.1, NM_001406877.1 and 6 more transcripts); c.36-5C>A (NM_001322008.2, NM_001406902.1, NM_001406883.1 and 4 more transcripts); c.-531-5C>A (NM_001322012.2, NM_001322011.2); c.250+1331C>A (NM_001406885.1); short protein forms H14N.
Identifiers: ClinVar variation 3721222 (VCV003721222.3).
Genomic context (GRCh38, chr7:6,002,641, plus strand): 5'-ACATCAGTCGAGTTCCAACCTTCGCCGATGCGTGGCAGGTAGAAATGGTGACATCGCTGT[G>T]AGAGAATACCAGGCATGGTGTGTTCAGTGAGAGACCCATGATGTTGGGCACTGACTACTC-3'

ClinVar aggregate classification (germline): Conflicting classifications of pathogenicity. Review status: criteria provided, conflicting classifications (1 of 4 stars). 2 submissions from 2 submitters: Uncertain significance (1); Likely benign (1). Last evaluated 2026-05-05.

Conditions:
Hereditary cancer-predisposing syndrome. Also called: Hereditary Cancer Syndrome; Hereditary neoplastic syndrome; Neoplastic Syndromes, Hereditary; Tumor predisposition. Identifiers: Orphanet 140162, MedGen C0027672, MeSH D009386, MONDO:0015356.
Hereditary nonpolyposis colorectal neoplasms. Identifiers: MedGen C0009405, MeSH D003123.

gnomAD v4.1: 1 of 1,609,522 alleles (0.000062%); highest among the groups gnomAD compares: Admixed American, 0.0017%; no homozygotes.

Submissions (2):

Ambry Genetics
Classification: Uncertain significance for Hereditary cancer-predisposing syndrome. Last evaluated: 2026-05-05. Review status: criteria provided, single submitter. Criteria: Ambry Variant Classification Scheme 2023. Collection method: clinical testing. Allele origin: germline.
Comment: The c.354-5C>A intronic variant results from a C to A substitution 5 nucleotides upstream from coding exon 5 in the PMS2 gene. This nucleotide position is not well conserved in available vertebrate species. In silico splice site analysis predicts that this alteration will not have any significant effect on splicing. Based on the available evidence, the clinical significance of this variant remains unclear.

Labcorp Genetics (formerly Invitae), Labcorp
Classification: Likely benign for Hereditary nonpolyposis colorectal neoplasms. Last evaluated: 2024-09-21. Review status: criteria provided, single submitter. Criteria: Invitae Variant Classification Sherloc (09022015). Collection method: clinical testing. Allele origin: germline.